The following is an entry in ClinVar:

ClinVar aggregate classification (germline): Likely benign (1 of 4 stars; one submission).

Allele frequency attached by ClinVar (database versions not stated): 1000 Genomes Project 30x 0.00250; 1000 Genomes Project 0.00260; gnomAD 0.00300; ExAC 0.00395; ESP Exome Variant Server 0.00431; gnomAD exomes 0.00504.
gnomAD v4.1: 7,801 of 1,614,040 alleles (0.48%); highest among the groups gnomAD compares: South Asian, 0.8%; 31 homozygotes.

Submission:

CeGaT Center for Human Genetics Tuebingen
Classification: Likely benign. Last evaluated: 2022-03-01. Review status: criteria provided, single submitter. Criteria: CeGaT Center For Human Genetics Tuebingen Variant Classification Criteria Version 2. Collection method: clinical testing. Allele origin: germline. Affected: yes. Observed: 1 variant allele.
Comment: ABCB10: BP4, BP7

NM_012089.3(ABCB10):c.1554G>A (p.Pro518=)

Gene: ABCB10 (ATP binding cassette subfamily B member 10; minus strand). Cytogenetic location: 1q42.13.
Variant type: single nucleotide variant.
Coding change: c.1554G>A on transcript NM_012089.3 (MANE Select); coding-DNA position 1554, G replaced by A.
Protein change: p.Pro518=; no amino-acid change (proline 518 retained).
Molecular consequence: synonymous variant.
Genome position (GRCh38, 1-based): chr1:229,530,290, C>T on the plus strand (G>A on the coding strand, the complement: ABCB10 is on the minus strand). VCF-style: chr1-229530290-C-T. GRCh37 (hg19) VCF-style: chr1-229666037-C-T.
Identifiers: ClinVar variation 2640063 (VCV002640063.24), dbSNP rs140426197, ClinGen allele CA1444207.